The following is an entry in ClinVar:

NM_014339.7(IL17RA):c.1768C>G (p.Leu590Val)

Gene: IL17RA (interleukin 17 receptor A; plus strand). Cytogenetic location: 22q11.1.
Variant type: single nucleotide variant.
Coding change: c.1768C>G on transcript NM_014339.7 (MANE Select); coding-DNA position 1768, C replaced by G.
Protein change: p.Leu590Val; replaces leucine 590 with valine.
Molecular consequence: missense variant.
Genome position (GRCh38, 1-based): chr22:17,108,987, C>G. VCF-style: chr22-17108987-C-G. GRCh37 (hg19) VCF-style: chr22-17589877-C-G.
Other names: c.1666C>G, p.Leu556Val (NM_001289905.2); short protein forms L556V, L590V.
Identifiers: ClinVar variation 646714 (VCV000646714.5), dbSNP rs372238432, ClinGen allele CA10086853.

ClinVar aggregate classification (germline): Uncertain significance (1 of 4 stars; one submission).

Conditions:
Immunodeficiency 51 (IMD51). Also called: CANDIDIASIS, FAMILIAL, 5. Identifiers: Orphanet 1334, MedGen C4310803, MONDO:0013500, OMIM 613953.

Allele frequency attached by ClinVar (database versions not stated): ExAC 0.00002; 1000 Genomes Project 30x 0.00016; 1000 Genomes Project 0.00020.
gnomAD v4.1: 15 of 1,603,298 alleles (0.00094%); highest among the groups gnomAD compares: East Asian, 0.013%; no homozygotes.

Submission:

Labcorp Genetics (formerly Invitae), Labcorp
Classification: Uncertain significance for Immunodeficiency 51. Last evaluated: 2025-11-10. Review status: criteria provided, single submitter. Criteria: Invitae Variant Classification Sherloc (09022015). Collection method: clinical testing. Allele origin: germline.
Comment: This sequence change replaces leucine, which is neutral and non-polar, with valine, which is neutral and non-polar, at codon 590 of the IL17RA protein (p.Leu590Val). This variant is present in population databases (rs372238432, gnomAD 0.02%). This variant has not been reported in the literature in individuals affected with IL17RA-related conditions. ClinVar contains an entry for this variant (Variation ID: 646714). Invitae Evidence Modeling of protein sequence and biophysical properties (such as structural, functional, and spatial information, amino acid conservation, physicochemical variation, residue mobility, and thermodynamic stability) indicates that this missense variant is not expected to disrupt IL17RA protein function with a negative predictive value of 80%. In summary, the available evidence is currently insufficient to determine the role of this variant in disease. Therefore, it has been classified as a Variant of Uncertain Significance.